The following is an entry in ClinVar:

ClinVar aggregate classification (germline): Uncertain significance (1 of 4 stars; one submission).

gnomAD v4.1: 22 of 1,611,398 alleles (0.0014%); highest among the groups gnomAD compares: Non-Finnish European, 0.0012%; no homozygotes.

Submission:

Labcorp Genetics (formerly Invitae), Labcorp
Classification: Uncertain significance. Last evaluated: 2024-05-12. Review status: criteria provided, single submitter. Criteria: Invitae Variant Classification Sherloc (09022015). Collection method: clinical testing. Allele origin: germline.
Comment: This sequence change replaces arginine, which is basic and polar, with cysteine, which is neutral and slightly polar, at codon 287 of the SNIP1 protein (p.Arg287Cys). This variant is present in population databases (rs781712609, gnomAD 0.03%). This variant has not been reported in the literature in individuals affected with SNIP1-related conditions. Advanced modeling of protein sequence and biophysical properties (such as structural, functional, and spatial information, amino acid conservation, physicochemical variation, residue mobility, and thermodynamic stability) performed at Invitae indicates that this missense variant is expected to disrupt SNIP1 protein function with a positive predictive value of 80%. In summary, the available evidence is currently insufficient to determine the role of this variant in disease. Therefore, it has been classified as a Variant of Uncertain Significance.

NM_024700.4(SNIP1):c.859C>T (p.Arg287Cys)

Genes: SNIP1 (Smad nuclear interacting protein 1; minus strand), LOC126805704 (BRD4-independent group 4 enhancer GRCh37_chr1:38005292-38006491; plus strand). Cytogenetic location: 1p34.3.
Variant type: single nucleotide variant.
Coding change: c.859C>T on transcript NM_024700.4 (MANE Select); coding-DNA position 859, C replaced by T.
Protein change: p.Arg287Cys; replaces arginine 287 with cysteine.
Molecular consequence: missense variant.
Genome position (GRCh38, 1-based): chr1:37,540,224, G>A on the plus strand (C>T on the coding strand, the complement: SNIP1 is on the minus strand). VCF-style: chr1-37540224-G-A. GRCh37 (hg19) VCF-style: chr1-38005825-G-A.
Other names: short protein forms R287C.
Identifiers: ClinVar variation 3713698 (VCV003713698.2).